The following is an entry in ClinVar:

ClinVar aggregate classification (germline): Uncertain significance (1 of 4 stars; one submission).

Submission:

Labcorp Genetics (formerly Invitae), Labcorp
Classification: Uncertain significance. Last evaluated: 2023-01-16. Review status: criteria provided, single submitter. Criteria: Invitae Variant Classification Sherloc (09022015). Collection method: clinical testing. Allele origin: unknown.
Comment: In summary, the available evidence is currently insufficient to determine the role of this variant in disease. Therefore, it has been classified as a Variant of Uncertain Significance. A similar copy number variant has been observed in individual(s) with NSUN3-related conditions (PMID: 27356879). This variant is a gross deletion of the genomic region encompassing exon(s) 3 of the NSUN3 gene. This deletion is out-of-frame, and is expected to create a premature translational stop signal and result in an absent or disrupted protein product. However, the current clinical and genetic evidence is not sufficient to establish whether loss-of-function variants in NSUN3 cause disease.

Literature cited by the submitters: PubMed 27356879.

NC_000003.11:g.(?_93802931)_(93803314_?)del

Gene: NSUN3 (NOP2/Sun RNA methyltransferase 3; plus strand). Cytogenetic location: 3q11.1.
Variant type: Deletion.
Identifiers: ClinVar variation 3247039 (VCV003247039.1).